The following is an entry in ClinVar:

ClinVar aggregate classification (germline): Conflicting classifications of pathogenicity. Review status: criteria provided, conflicting classifications (1 of 4 stars). 15 submissions from 15 submitters: Uncertain significance (8); Likely benign (2). 5 of the submissions do not count toward it. Last evaluated 2026-05-18.

Conditions:
Inborn genetic diseases. Identifiers: MedGen C0950123, MeSH D030342.
PEX1-related disorder. Also called: PEX1-related condition.
Zellweger spectrum disorders (ZS). Also called: Zellweger Spectrum Disorder (ZSD); Zellweger Spectrum Disorder; Zellweger Spectrum; Zellweger syndrome. Identifiers: Orphanet 912, MedGen C0043459, MONDO:0019609.
Heimler syndrome 1 (HMLR1). Also called: PEROXISOME BIOGENESIS DISORDER 1C. Identifiers: Orphanet 3220, MedGen C4551980, OMIM 234580, MONDO:0024544.
Peroxisome biogenesis disorder 1A (Zellweger) (PBD1A). Also called: Peroxisome biogenesis disorder 1a; Zellweger leukodystrophy. Identifiers: MedGen C4721541, MONDO:0008953, OMIM 214100.

Allele frequency attached by ClinVar (database versions not stated): 1000 Genomes Project 30x 0.00016; gnomAD exomes 0.00021 and 0.00011; TOPMed 0.00022; ESP Exome Variant Server 0.00015; gnomAD 0.00015 and 0.00016; ExAC 0.00017; 1000 Genomes Project 0.00020.
gnomAD v4.1: 178 of 1,548,124 alleles (0.011%); highest among the groups gnomAD compares: Middle Eastern, 0.35%; no homozygotes.

Submissions (15):

PreventionGenetics, part of Exact Sciences
Classification: Uncertain significance for PEX1-related condition. Last evaluated: 2026-05-18. Review status: criteria provided, single submitter. Criteria: ACMG Guidelines, 2015. Collection method: clinical testing. Allele origin: germline.
Comment: The PEX1 c.627G>A variant is predicted to result in the amino acid substitution p.Met209Ile. In the more commonly reported transcript NM_000466.2, this variant is described as c.627G>A which is predicted to result in the amino acid substitution p.Met209Ile. This variant has been reported in the homozygous state in a patient with Zellweger syndrome (reported as p.Met209Ile in Alfares et al. 2017. PubMed ID: 28454995). This variant is reported in up to 0.18% of individuals in a subpopulation of the gnomAD population database, but is not found in any homozygotes. At this time, the clinical significance of this variant is uncertain.

Labcorp Genetics (formerly Invitae), Labcorp
Classification: Likely benign for Zellweger spectrum disorders. Last evaluated: 2026-01-20. Review status: criteria provided, single submitter. Criteria: Invitae Variant Classification Sherloc (09022015). Collection method: clinical testing. Allele origin: germline.

Women's Health and Genetics/Laboratory Corporation of America, LabCorp
Classification: Uncertain significance. Last evaluated: 2026-01-16. Review status: criteria provided, single submitter. Criteria: LabCorp Variant Classification Summary - May 2015. Collection method: clinical testing. Allele origin: germline.
Comment: Variant summary: PEX1 c.627G>A (p.Met209Ile) results in a conservative amino acid change in the encoded protein sequence. Algorithms developed to predict the effect of missense changes on protein structure and function all suggest that this variant is likely to be tolerated. The variant allele was found at a frequency of 0.00021 in 196000 control chromosomes. This frequency is not significantly higher than estimated for disease-causing variants in PEX1, allowing no conclusion about variant significance. However, the frequency of the variant in control chromosomes in the Middle Eastern subpopulation was measured at 0.003505 in 5706 chromosomes (gnomAD v4), therefore, this report does not provide unequivocal conclusions about association of the variant with Zellweger Syndrome. To our knowledge, no experimental evidence demonstrating an impact on protein function has been reported. The following publications have been ascertained in the context of this evaluation (PMID: 28454995, 31831025, 25182519). ClinVar contains an entry for this variant (Variation ID: 167445). Based on the evidence outlined above, the variant was classified as uncertain significance.

Blueprint Genetics
Classification: Uncertain significance. Last evaluated: 2024-07-23. Review status: criteria provided, single submitter. Criteria: ACMG Guidelines, 2015. Collection method: clinical testing. Allele origin: germline.

Mayo Clinic Laboratories, Mayo Clinic
Classification: Uncertain significance. Last evaluated: 2023-01-26. Review status: criteria provided, single submitter. Criteria: ACMG Guidelines, 2015. Collection method: clinical testing. Allele origin: germline. Observed: 1 variant allele.
Comment: BP4

Ambry Genetics
Classification: Uncertain significance for Inborn genetic diseases. Last evaluated: 2022-09-14. Review status: criteria provided, single submitter. Criteria: Ambry Variant Classification Scheme 2023. Collection method: clinical testing. Allele origin: germline.

Baylor Genetics
Classification: Uncertain significance for Heimler syndrome 1. Last evaluated: 2020-09-10. Review status: criteria provided, single submitter. Criteria: ACMG Guidelines, 2015. Collection method: clinical testing. Allele origin: unknown. Affected: yes.
Comment: This variant was determined to be of uncertain significance according to ACMG Guidelines, 2015 [PMID:25741868].

Illumina Laboratory Services, Illumina
Classification: Uncertain significance for Peroxisome biogenesis disorder 1A (Zellweger). Last evaluated: 2018-01-13. Review status: criteria provided, single submitter. Criteria: ICSL Variant Classification Criteria 13 December 2019. Collection method: clinical testing. Allele origin: germline.

Eurofins Ntd Llc (ga)
Classification: Uncertain significance. Last evaluated: 2014-04-27. Review status: criteria provided, single submitter. Criteria: EGL Classification Definitions 2015. Collection method: clinical testing. Allele origin: germline. Observed: 1 variant allele, 1 heterozygote.

Pathology and Clinical Laboratory Medicine, King Fahad Medical City
Classification: Likely benign. Review status: criteria provided, single submitter. Criteria: ACMG Guidelines, 2015. Collection method: clinical testing. Allele origin: germline. Affected: no. Observed: 4 variant alleles.

Biochemical Molecular Genetic Laboratory, King Abdulaziz Medical City
Classification: Likely pathogenic for Peroxisome biogenesis disorder 1A (Zellweger). Last evaluated: 2019-09-26. Review status: no assertion criteria provided. Collection method: clinical testing. Allele origin: germline. Affected: yes. Not counted in ClinVar's aggregate classification.

Natera, Inc.
Classification: Uncertain significance for Zellweger syndrome. Last evaluated: 2019-06-18. Review status: no assertion criteria provided. Collection method: clinical testing. Allele origin: germline. Not counted in ClinVar's aggregate classification.

Counsyl
Classification: Uncertain significance for Peroxisome biogenesis disorder 1A (Zellweger). Last evaluated: 2018-05-15. Review status: no assertion criteria provided. Collection method: clinical testing. Allele origin: unknown. Not counted in ClinVar's aggregate classification.

Clinical Genetics DNA and cytogenetics Diagnostics Lab, Erasmus MC, Erasmus Medical Center
Classification: Uncertain significance. Review status: no assertion criteria provided. Collection method: clinical testing. Allele origin: germline. Affected: yes. Study: VKGL Data-share Consensus. Not counted in ClinVar's aggregate classification.

Laboratory of Diagnostic Genome Analysis, Leiden University Medical Center (LUMC)
Classification: Uncertain significance. Review status: no assertion criteria provided. Collection method: clinical testing. Allele origin: germline. Affected: yes. Study: VKGL Data-share Consensus. Not counted in ClinVar's aggregate classification.

Literature cited by the submitters: PubMed 25182519 (cited by Women's Health and Genetics/Laboratory Corporation of America, LabCorp); PubMed 31831025 (cited by Women's Health and Genetics/Laboratory Corporation of America, LabCorp); PubMed 28454995 (cited by 4 submitters).

NM_000466.3(PEX1):c.627G>A (p.Met209Ile)

Gene: PEX1 (peroxisomal biogenesis factor 1; minus strand). Cytogenetic location: 7q21.2.
Variant type: single nucleotide variant.
Coding change: c.627G>A on transcript NM_000466.3 (MANE Select); coding-DNA position 627, G replaced by A.
Protein change: p.Met209Ile; replaces methionine 209 with isoleucine.
Molecular consequence: missense variant. On other transcripts: initiator codon variant (1).
Genome position (GRCh38, 1-based): chr7:92,517,888, C>T on the plus strand (G>A on the coding strand, the complement: PEX1 is on the minus strand). VCF-style: chr7-92517888-C-T. GRCh37 (hg19) VCF-style: chr7-92147202-C-T.
Other names: c.627G>A, p.Met209Ile (NM_001282677.2); c.3G>A, p.Met1Ile (NM_001282678.2); short protein forms M209I, M1I.
Identifiers: ClinVar variation 167445 (VCV000167445.37), dbSNP rs200752969, ClinGen allele CA234519.